The following is an entry in ClinVar:

NM_001287.6(CLCN7):c.37C>T (p.Arg13Trp)

Genes: CLCN7 (chloride voltage-gated channel 7; minus strand), LOC130058166 (ATAC-STARR-seq lymphoblastoid silent region 6986; plus strand). Cytogenetic location: 16p13.3.
Variant type: single nucleotide variant.
Coding change: c.37C>T on transcript NM_001287.6 (MANE Select); coding-DNA position 37, C replaced by T.
Protein change: p.Arg13Trp; replaces arginine 13 with tryptophan.
Molecular consequence: missense variant.
Genome position (GRCh38, 1-based): chr16:1,474,938, G>A on the plus strand (C>T on the coding strand, the complement: CLCN7 is on the minus strand). VCF-style: chr16-1474938-G-A. GRCh37 (hg19) VCF-style: chr16-1524939-G-A.
Other names: c.37C>T, p.Arg13Trp (NM_001114331.3); short protein forms R13W.
Identifiers: ClinVar variation 1434564 (VCV001434564.6), dbSNP rs1438872021, ClinGen allele CA394194224.

ClinVar aggregate classification (germline): Uncertain significance (1 of 4 stars; one submission).

Allele frequency attached by ClinVar (database versions not stated): gnomAD exomes below 0.00001.
gnomAD v4.1: 1 of 1,485,618 alleles (0.000067%); highest among the groups gnomAD compares: South Asian, 0.0013%; no homozygotes.

Submission:

Labcorp Genetics (formerly Invitae), Labcorp
Classification: Uncertain significance. Last evaluated: 2021-09-17. Review status: criteria provided, single submitter. Criteria: Invitae Variant Classification Sherloc (09022015). Collection method: clinical testing. Allele origin: germline.
Comment: This sequence change replaces arginine with tryptophan at codon 13 of the CLCN7 protein (p.Arg13Trp). The arginine residue is moderately conserved and there is a moderate physicochemical difference between arginine and tryptophan. The frequency data for this variant in the population databases is considered unreliable, as metrics indicate insufficient coverage at this position in the ExAC database. This variant has not been reported in the literature in individuals affected with CLCN7-related conditions. Algorithms developed to predict the effect of missense changes on protein structure and function are either unavailable or do not agree on the potential impact of this missense change (SIFT: "Deleterious"; PolyPhen-2: "Probably Damaging"; Align-GVGD: "Class C0"). In summary, the available evidence is currently insufficient to determine the role of this variant in disease. Therefore, it has been classified as a Variant of Uncertain Significance.